The following is an entry in ClinVar:

GRCh37/hg19 Yp11.31-q11.223(chrY:2650278-24445033)

Genes: AMELY (amelogenin Y-linked; minus strand), CDY2A (chromodomain Y-linked 2A; plus strand), DDX3Y (DEAD-box helicase 3 Y-linked; plus strand), EIF1AY (eukaryotic translation initiation factor 1A Y-linked; plus strand), FAM197Y10 (family with sequence similarity 197 Y-linked member 10) and 59 more. Cytogenetic location: Yp11.31-q11.223.
Variant type: copy number gain.
Identifiers: ClinVar variation 625646 (VCV000625646.1).

ClinVar aggregate classification (germline): Pathogenic (1 of 4 stars; one submission).

Submission:

Baylor Genetics
Classification: Pathogenic. Last evaluated: 2018-11-01. Review status: criteria provided, single submitter. Criteria: ACMG CNV Guidelines, 2011. Collection method: clinical testing. Allele origin: germline. Observed: 1 variant allele.